The following is an entry in ClinVar:

NM_003331.5(TYK2):c.2450G>A (p.Ser817Asn)

Gene: TYK2 (tyrosine kinase 2; minus strand). Cytogenetic location: 19p13.2.
Variant type: single nucleotide variant.
Coding change: c.2450G>A on transcript NM_003331.5 (MANE Select); coding-DNA position 2450, G replaced by A.
Protein change: p.Ser817Asn; replaces serine 817 with asparagine.
Molecular consequence: missense variant.
Genome position (GRCh38, 1-based): chr19:10,357,780, C>T on the plus strand (G>A on the coding strand, the complement: TYK2 is on the minus strand). VCF-style: chr19-10357780-C-T. GRCh37 (hg19) VCF-style: chr19-10468456-C-T.
Other names: c.2450G>A, p.Ser817Asn (NM_001385197.1, NM_001385198.1, NM_001385200.1 and 3 more transcripts); c.2264G>A, p.Ser755Asn (NM_001385199.1); c.2252G>A, p.Ser751Asn (NM_001385201.1); c.2366G>A, p.Ser789Asn (NM_001385202.1); c.2360G>A, p.Ser787Asn (NM_001385205.1); c.2324G>A, p.Ser775Asn (NM_001385206.1); c.2432G>A, p.Ser811Asn (NM_001385207.1); short protein forms S755N, S775N, S787N, S817N, S789N, S751N, S811N.
Identifiers: ClinVar variation 2108748 (VCV002108748.4), dbSNP rs2512494054, ClinGen allele CA403995154.

ClinVar aggregate classification (germline): Uncertain significance (1 of 4 stars; one submission).

Conditions:
Immunodeficiency 35 (IMD35). Also called: HYPER-IgE SYNDROME WITH ATYPICAL MYCOBACTERIOSIS, AUTOSOMAL RECESSIVE; TYK2 DEFICIENCY; HIES WITH ATYPICAL MYCOBACTERIOSIS, AUTOSOMAL RECESSIVE; Susceptibility to infection due to TYK2 deficiency. Identifiers: Orphanet 331226, MedGen C1969086, MONDO:0012682, OMIM 611521.

Submission:

Labcorp Genetics (formerly Invitae), Labcorp
Classification: Uncertain significance for Immunodeficiency 35. Last evaluated: 2022-03-11. Review status: criteria provided, single submitter. Criteria: Invitae Variant Classification Sherloc (09022015). Collection method: clinical testing. Allele origin: germline.
Comment: In summary, the available evidence is currently insufficient to determine the role of this variant in disease. Therefore, it has been classified as a Variant of Uncertain Significance. Algorithms developed to predict the effect of missense changes on protein structure and function output the following: SIFT: "Not Available"; PolyPhen-2: "Benign"; Align-GVGD: "Not Available". The asparagine amino acid residue is found in multiple mammalian species, which suggests that this missense change does not adversely affect protein function. This variant has not been reported in the literature in individuals affected with TYK2-related conditions. This variant is not present in population databases (gnomAD no frequency). This sequence change replaces serine, which is neutral and polar, with asparagine, which is neutral and polar, at codon 817 of the TYK2 protein (p.Ser817Asn).